The following is an entry in ClinVar:

NM_001283009.2(RTEL1):c.3443C>G (p.Pro1148Arg)

Genes: RTEL1 (regulator of telomere elongation helicase 1; plus strand), RTEL1-TNFRSF6B (RTEL1-TNFRSF6B readthrough (NMD candidate); plus strand). Cytogenetic location: 20q13.33.
Variant type: single nucleotide variant.
Coding change: c.3443C>G on transcript NM_001283009.2 (MANE Select); coding-DNA position 3443, C replaced by G.
Protein change: p.Pro1148Arg; replaces proline 1148 with arginine.
Molecular consequence: missense variant. On other transcripts: non-coding transcript variant (1).
Genome position (GRCh38, 1-based): chr20:63,695,165, C>G. VCF-style: chr20-63695165-C-G. GRCh37 (hg19) VCF-style: chr20-62326518-C-G.
Other names: c.2774C>G, p.Pro925Arg (NM_001283010.1); c.3443C>G, p.Pro1148Arg (NM_016434.4); c.3515C>G, p.Pro1172Arg (NM_032957.5); short protein forms P1148R, P1172R, P925R.
Identifiers: ClinVar variation 2943377 (VCV002943377.3), dbSNP rs116773320, ClinGen allele CA409685436.

ClinVar aggregate classification (germline): Uncertain significance (1 of 4 stars; one submission).

Conditions:
Pulmonary fibrosis and/or bone marrow failure, Telomere-related, 3. Also called: PULMONARY FIBROSIS AND/OR BONE MARROW FAILURE SYNDROME, TELOMERE-RELATED, 3. Identifiers: Orphanet 2032, MedGen C4225346, MONDO:0014613, OMIM 616373.
Dyskeratosis congenita, autosomal recessive 5 (DKCB5). Identifiers: MedGen C3554656, MONDO:0014076, OMIM 615190.

gnomAD v4.1: 2 of 1,612,360 alleles (0.00012%); highest among the groups gnomAD compares: Admixed American, 0.0033%; no homozygotes.

Submission:

Labcorp Genetics (formerly Invitae), Labcorp
Classification: Uncertain significance for Dyskeratosis congenita, autosomal recessive 5; Pulmonary fibrosis and/or bone marrow failure, Telomere-related, 3. Last evaluated: 2023-01-20. Review status: criteria provided, single submitter. Criteria: Invitae Variant Classification Sherloc (09022015). Collection method: clinical testing. Allele origin: germline.
Comment: In summary, the available evidence is currently insufficient to determine the role of this variant in disease. Therefore, it has been classified as a Variant of Uncertain Significance. Algorithms developed to predict the effect of missense changes on protein structure and function are either unavailable or do not agree on the potential impact of this missense change (SIFT: "Tolerated"; PolyPhen-2: "Possibly Damaging"; Align-GVGD: "Class C0"). This variant has not been reported in the literature in individuals affected with RTEL1-related conditions. This variant is present in population databases (no rsID available, gnomAD 0.003%). This sequence change replaces proline, which is neutral and non-polar, with arginine, which is basic and polar, at codon 1148 of the RTEL1 protein (p.Pro1148Arg).